The following is an entry in ClinVar:

ClinVar aggregate classification (germline): Pathogenic (1 of 4 stars; one submission).

Conditions:
Hereditary pheochromocytoma and paraganglioma. Also called: Hereditary paragangliomas and pheochromocytomas; Hereditary Paraganglioma-Pheochromocytoma Syndromes; Hereditary pheochromocytoma-paraganglioma. Identifiers: Orphanet 29072, MedGen C4274332, MONDO:0017366.

Submission:

Women's Health and Genetics/Laboratory Corporation of America, LabCorp
Classification: Pathogenic for Hereditary pheochromocytoma and paraganglioma. Last evaluated: 2024-03-15. Review status: criteria provided, single submitter. Criteria: LabCorp Variant Classification Summary - May 2015. Collection method: clinical testing. Allele origin: germline.
Comment: Variant summary: The variant involves the deletion of exon 3 in the SDHB gene. A presumed nomenclature of c.(200+1_201-1)_(286+1_287-1)del has been designated for the purposes of this classification. This Copy Number Variant (CNV) is expected to alter the reading frame and predicted to result in a truncation or absence of the encoded protein due to nonsense mediated decay (NMD). The variant allele was found at a frequency of 8.3e-06 in 120780 control chromosomes in the gnomAD database (Structural Variants v4.0 dataset). The deletion of exon 3 in the SDHB gene has been reported in the literature in multiple individuals affected with Hereditary Paraganglioma-Pheochromocytoma Syndrome, and a large 7.9-kb deletion encompassing exon 3 of the SDHB gene is also known in the literature as the Dutch founder exon 3 deletion (e.g. Bayley_2009, Gordon_2022). These data indicate that the variant is very likely to be associated with disease. To our knowledge, no experimental evidence demonstrating an impact on protein function has been reported. ClinVar contains an entry for this variant (Variation ID: 528762). Based on the evidence outlined above, the variant was classified as pathogenic.

Literature cited by the submitters: PubMed 19368708; PubMed 34939938.

NC_000001.10:g.(17355232_17359554)_(17359641_17371255)del

Gene: SDHB (succinate dehydrogenase complex iron sulfur subunit B; minus strand). Cytogenetic location: 1p36.13.
Variant type: Deletion.
Identifiers: ClinVar variation 3233926 (VCV003233926.2).